The following is an entry in ClinVar:

ClinVar aggregate classification (germline): Uncertain significance. Review status: criteria provided, multiple submitters, no conflicts (2 of 4 stars). 2 submissions from 2 submitters: Uncertain significance (2). Last evaluated 2024-11-09.

Conditions:
POLD1-related polyposis and colorectal cancer syndrome (CRCS10). Also called: Colorectal cancer 10; COLORECTAL CANCER, SUSCEPTIBILITY TO, ON CHROMOSOME 19q; Colorectal cancer, susceptibility to, 10. Identifiers: Orphanet 220460, MedGen C2675481, MONDO:0012953, OMIM 612591.
Hereditary cancer-predisposing syndrome. Also called: Tumor predisposition; Neoplastic Syndromes, Hereditary; Hereditary Cancer Syndrome; Hereditary neoplastic syndrome. Identifiers: Orphanet 140162, MedGen C0027672, MeSH D009386, MONDO:0015356.

Submissions (2):

Ambry Genetics
Classification: Uncertain significance for Hereditary cancer-predisposing syndrome. Last evaluated: 2024-11-09. Review status: criteria provided, single submitter. Criteria: Ambry Variant Classification Scheme 2023. Collection method: clinical testing. Allele origin: germline.
Comment: The p.D1088E variant (also known as c.3264C>A), located in coding exon 26 of the POLD1 gene, results from a C to A substitution at nucleotide position 3264. The aspartic acid at codon 1088 is replaced by glutamic acid, an amino acid with highly similar properties. This amino acid position is conserved. In addition, this alteration is predicted to be tolerated by in silico analysis. Based on the available evidence, the clinical significance of this variant remains unclear.

Labcorp Genetics (formerly Invitae), Labcorp
Classification: Uncertain significance for POLD1-related polyposis and colorectal cancer syndrome. Last evaluated: 2023-10-24. Review status: criteria provided, single submitter. Criteria: Invitae Variant Classification Sherloc (09022015). Collection method: clinical testing. Allele origin: germline.
Comment: This sequence change replaces aspartic acid, which is acidic and polar, with glutamic acid, which is acidic and polar, at codon 1088 of the POLD1 protein (p.Asp1088Glu). This variant is not present in population databases (gnomAD no frequency). This variant has not been reported in the literature in individuals affected with POLD1-related conditions. ClinVar contains an entry for this variant (Variation ID: 2105719). Advanced modeling of protein sequence and biophysical properties (such as structural, functional, and spatial information, amino acid conservation, physicochemical variation, residue mobility, and thermodynamic stability) performed at Invitae indicates that this missense variant is not expected to disrupt POLD1 protein function with a negative predictive value of 80%. In summary, the available evidence is currently insufficient to determine the role of this variant in disease. Therefore, it has been classified as a Variant of Uncertain Significance.

NM_002691.4(POLD1):c.3264C>A (p.Asp1088Glu)

Gene: POLD1 (DNA polymerase delta 1, catalytic subunit; plus strand). Cytogenetic location: 19q13.33.
Variant type: single nucleotide variant.
Coding change: c.3264C>A on transcript NM_002691.4 (MANE Select); coding-DNA position 3264, C replaced by A.
Protein change: p.Asp1088Glu; replaces aspartic acid 1088 with glutamic acid.
Molecular consequence: missense variant. On other transcripts: non-coding transcript variant (1).
Genome position (GRCh38, 1-based): chr19:50,417,887, C>A. VCF-style: chr19-50417887-C-A. GRCh37 (hg19) VCF-style: chr19-50921144-C-A.
Other names: c.3264C>A (NM_002691.2); c.3264C>A, p.Asp1088Glu (NM_001256849.1); c.3342C>A, p.Asp1114Glu (NM_001308632.1); short protein forms D1114E, D1088E.
Identifiers: ClinVar variation 2105719 (VCV002105719.5), dbSNP rs761465465, ClinGen allele CA406987795.
Genomic context (GRCh38, chr19:50,417,887, plus strand): 5'-TGCCCCCACCCGCAGCCGGGACTGCCCCATCTTCTACATGCGCAAGAAGGTGCGGAAGGA[C>A]CTGGAAGACCAGGAGCAGCTCCTGCGGCGCTTCGGACCCCCTGGACCTGAGGCCTGGTGA-3'
Protein context (NP_002682.2, residues 1078-1098): IFYMRKKVRK[Asp1088Glu]LEDQEQLLRR